The following is an entry in ClinVar:

ClinVar aggregate classification (germline): Uncertain significance (1 of 4 stars; one submission).

Conditions:
Brain small vessel disease 2A, autosomal dominant. Also called: Porencephaly 2. Identifiers: Orphanet 2940, Orphanet 99810, MedGen C3280970, MONDO:0013773, OMIM 614483.

Submission:

Institute of Human Genetics, University of Leipzig Medical Center
Classification: Uncertain significance for Brain small vessel disease 2A, autosomal dominant. Last evaluated: 2025-06-03. Review status: criteria provided, single submitter. Criteria: ACMG Guidelines, 2015. Collection method: clinical testing. Allele origin: unknown. Inheritance: Autosomal dominant inheritance. Affected: yes.
Comment: Criteria applied: PVS1_MOD,PM2

NM_001846.4(COL4A2):c.912+1G>A

Gene: COL4A2 (collagen type IV alpha 2 chain; plus strand). Cytogenetic location: 13q34.
Variant type: single nucleotide variant.
Coding change: c.912+1G>A on transcript NM_001846.4 (MANE Select); the canonical splice donor site of the intron after coding-DNA position 912, G replaced by A.
Molecular consequence: splice donor variant.
Genome position (GRCh38, 1-based): chr13:110,438,669, G>A. VCF-style: chr13-110438669-G-A. GRCh37 (hg19) VCF-style: chr13-111091016-G-A.
Identifiers: ClinVar variation 4056318 (VCV004056318.1).
Genomic context (GRCh38, chr13:110,438,669, plus strand): 5'-CTCTCCTAGGGCATTTCCTTGAAGGGAGAAGAAGGAATCATGGGCTTTCCTGGACTGAGG[G>A]TAAACCACGCCTTTTATAACTGCAGTTGTCGGTTTGGTTTGGTTTTTTTCAGTAGGCTTT-3'